The following is an entry in ClinVar:

ClinVar aggregate classification (germline): Uncertain significance. Review status: criteria provided, multiple submitters, no conflicts (2 of 4 stars). 3 submissions from 3 submitters: Uncertain significance (3). Last evaluated 2025-01-26.

Conditions:
Hereditary cancer-predisposing syndrome. Also called: Neoplastic Syndromes, Hereditary; Hereditary neoplastic syndrome; Hereditary Cancer Syndrome; Tumor predisposition. Identifiers: Orphanet 140162, MedGen C0027672, MeSH D009386, MONDO:0015356.
Hereditary diffuse gastric adenocarcinoma (HDGC). Also called: DIFFUSE GASTRIC AND LOBULAR BREAST CANCER SYNDROME. Identifiers: Orphanet 26106, MedGen C1708349, MONDO:0007648, OMIM 137215.

Submissions (3):

Labcorp Genetics (formerly Invitae), Labcorp
Classification: Uncertain significance for Hereditary diffuse gastric adenocarcinoma. Last evaluated: 2025-01-26. Review status: criteria provided, single submitter. Criteria: Invitae Variant Classification Sherloc (09022015). Collection method: clinical testing. Allele origin: germline.
Comment: This sequence change replaces aspartic acid, which is acidic and polar, with tyrosine, which is neutral and polar, at codon 766 of the CDH1 protein (p.Asp766Tyr). This variant is not present in population databases (gnomAD no frequency). This variant has not been reported in the literature in individuals affected with CDH1-related conditions. ClinVar contains an entry for this variant (Variation ID: 654579). An algorithm developed to predict the effect of missense changes on protein structure and function (PolyPhen-2) suggests that this variant is likely to be disruptive. RNA analysis performed to evaluate the impact of this missense change on mRNA splicing indicates it does not significantly alter splicing (internal data). In summary, the available evidence is currently insufficient to determine the role of this variant in disease. Therefore, it has been classified as a Variant of Uncertain Significance.

Ambry Genetics
Classification: Uncertain significance for Hereditary cancer-predisposing syndrome. Last evaluated: 2024-09-30. Review status: criteria provided, single submitter. Criteria: Ambry Variant Classification Scheme 2023. Collection method: clinical testing. Allele origin: germline.
Comment: The p.D766Y variant (also known as c.2296G>T) is located in coding exon 15 of the CDH1 gene. The aspartic acid at codon 766 is replaced by tyrosine, an amino acid with highly dissimilar properties. This change occurs in the first base pair of coding exon 15. This amino acid position is conserved. In addition, this alteration is predicted to be deleterious by in silico analysis. Since supporting evidence is limited at this time, the clinical significance of this alteration remains unclear.

Color Diagnostics, LLC DBA Color Health
Classification: Uncertain significance for Hereditary cancer-predisposing syndrome. Last evaluated: 2019-12-12. Review status: criteria provided, single submitter. Criteria: ACMG Guidelines, 2015. Collection method: clinical testing. Allele origin: germline.
Comment: This missense variant replaces aspartic acid with tyrosine at codon 766 of the CDH1 protein. Computational prediction suggests that this variant may have deleterious impact on protein structure and function (internally defined REVEL score threshold >= 0.7, PMID: 27666373). Splice site prediction tools are inconclusive regarding the impact of this variant on RNA splicing. To our knowledge, functional studies have not been performed for this variant. This variant has not been reported in individuals affected with hereditary cancer in the literature. This variant has not been identified in the general population by the Genome Aggregation Database (gnomAD). The available evidence is insufficient to determine the role of this variant in disease conclusively. Therefore, this variant is classified as a Variant of Uncertain Significance.

NM_004360.5(CDH1):c.2296G>T (p.Asp766Tyr)

Gene: CDH1 (cadherin 1; plus strand). Cytogenetic location: 16q22.1.
Variant type: single nucleotide variant.
Coding change: c.2296G>T on transcript NM_004360.5 (MANE Select); coding-DNA position 2296, G replaced by T.
Protein change: p.Asp766Tyr; replaces aspartic acid 766 with tyrosine.
Molecular consequence: missense variant.
Genome position (GRCh38, 1-based): chr16:68,829,654, G>T. VCF-style: chr16-68829654-G-T. GRCh37 (hg19) VCF-style: chr16-68863557-G-T.
Other names: c.2296G>T (LRG_301t1); c.2113G>T, p.Asp705Tyr (NM_001317184.2); c.748G>T, p.Asp250Tyr (NM_001317185.2); c.331G>T, p.Asp111Tyr (NM_001317186.2); short protein forms D111Y, D705Y, D766Y, D250Y.
Identifiers: ClinVar variation 654579 (VCV000654579.17), dbSNP rs1471460728, ClinGen allele CA396470725.